The following is an entry in ClinVar:

NM_001201543.2(FAM161A):c.1212T>C (p.Cys404=)

Gene: FAM161A (FAM161 centrosomal protein A; minus strand). Cytogenetic location: 2p15.
Variant type: single nucleotide variant.
Coding change: c.1212T>C on transcript NM_001201543.2 (MANE Select); coding-DNA position 1212, T replaced by C.
Protein change: p.Cys404=; no amino-acid change (cysteine 404 retained).
Molecular consequence: synonymous variant. On other transcripts: non-coding transcript variant (1).
Genome position (GRCh38, 1-based): chr2:61,839,792, A>G on the plus strand (T>C on the coding strand, the complement: FAM161A is on the minus strand). VCF-style: chr2-61839792-A-G. GRCh37 (hg19) VCF-style: chr2-62066927-A-G.
Other names: c.1212T>C, p.Cys404= (NM_032180.3).
Identifiers: ClinVar variation 96217 (VCV000096217.28), dbSNP rs4672457, ClinGen allele CA149369.
Genomic context (GRCh38, chr2:61,839,792, plus strand): 5'-AACCTTGTGTTTACACTTCAACTTTACAGCCTGTTCAGGACACCTGGGGTTCCTGCATCC[A>G]CAAGCTGACCTACAAGGCAGAGGAGATGAGTTCTGTAAATGCTCCTGGGCTCTCAGCTGT-3'
Protein context (NP_001188472.1, residues 394-414): NSSPLPCRSA[Cys404=]GCRNPRCPEQ

ClinVar aggregate classification (germline): Benign. Review status: criteria provided, multiple submitters, no conflicts (2 of 4 stars). 11 submissions from 11 submitters: Benign (8). 3 of the submissions do not count toward it. Last evaluated 2026-02-04.

Conditions:
Retinitis pigmentosa 28 (RP28). Identifiers: Orphanet 791, MedGen C1419614, MONDO:0011630, OMIM 606068.
Retinal dystrophy. Also called: Inherited retinal dystrophy. Identifiers: Orphanet 71862, MedGen C0854723, MeSH D058499, MONDO:0019118, HP:0000556.
Retinitis pigmentosa (RP). Identifiers: Orphanet 791, MedGen C0035334, MeSH D012174, MONDO:0019200, OMIM 268000. Inheritance: Autosomal dominant, autosomal recessive and X linked inheritance.

Allele frequency attached by ClinVar (database versions not stated): gnomAD exomes 0.97052; ExAC 0.97589; TOPMed 0.97698; 1000 Genomes Project 0.97963; ESP Exome Variant Server 0.97983; 1000 Genomes Project 30x 0.98126; gnomAD 0.98181.
gnomAD v4.1: 1,567,920 of 1,614,094 alleles (97%); highest among the groups gnomAD compares: East Asian, 99%; 761,687 homozygotes.

Submissions (11):

Labcorp Genetics (formerly Invitae), Labcorp
Classification: Benign. Last evaluated: 2026-02-04. Review status: criteria provided, single submitter. Criteria: Invitae Variant Classification Sherloc (09022015). Collection method: clinical testing. Allele origin: germline.

Blueprint Genetics
Classification: Benign. Last evaluated: 2024-11-26. Review status: criteria provided, single submitter. Criteria: ACMG Guidelines, 2015. Collection method: clinical testing. Allele origin: germline.

Dept Of Ophthalmology, Nagoya University
Classification: Benign for Retinal dystrophy. Last evaluated: 2023-10-01. Review status: criteria provided, single submitter. Criteria: Submitter's publication. Collection method: research. Allele origin: germline. Affected: yes.

Genome-Nilou Lab
Classification: Benign for Retinitis pigmentosa 28. Last evaluated: 2021-07-10. Review status: criteria provided, single submitter. Criteria: ACMG Guidelines, 2015. Collection method: clinical testing. Allele origin: germline. Affected: no.

Illumina Laboratory Services, Illumina
Classification: Benign for Retinitis pigmentosa. Last evaluated: 2018-01-13. Review status: criteria provided, single submitter. Criteria: ICSL Variant Classification Criteria 13 December 2019. Collection method: clinical testing. Allele origin: germline.
Comment: This variant was observed in the ICSL laboratory as part of a predisposition screen in an ostensibly healthy population. It had not been previously curated by ICSL or reported in the Human Gene Mutation Database (HGMD: prior to June 1st, 2018), and was therefore a candidate for classification through an automated scoring system. Utilizing variant allele frequency, disease prevalence and penetrance estimates, and inheritance mode, an automated score was calculated to assess if this variant is too frequent to cause the disease. Based on the score and internal cut-off values, a variant classified as benign is not then subjected to further curation. The score for this variant resulted in a classification of benign for this disease.

Clinical Genetics DNA and cytogenetics Diagnostics Lab, Erasmus MC, Erasmus Medical Center
Classification: Benign for Retinitis pigmentosa 28. Last evaluated: 2017-06-28. Review status: criteria provided, single submitter. Criteria: ACGS Guidelines, 2013. Collection method: clinical testing. Allele origin: germline. Affected: yes. Study: VKGL Data-share Consensus.

Eurofins Ntd Llc (ga)
Classification: Benign. Last evaluated: 2013-08-16. Review status: criteria provided, single submitter. Criteria: EGL Classification Definitions 2015. Collection method: clinical testing. Allele origin: germline. Observed: 10 variant alleles, 10 homozygotes.

Breakthrough Genomics
Classification: Benign. Review status: criteria provided, single submitter. Criteria: ACMG Guidelines, 2015. Collection method: not provided. Allele origin: germline. Inheritance: Unknown mechanism. Affected: yes.

Natera, Inc.
Classification: Benign for Retinitis pigmentosa type 28. Last evaluated: 2019-11-16. Review status: no assertion criteria provided. Collection method: clinical testing. Allele origin: germline. Not counted in ClinVar's aggregate classification.

Diagnostic Laboratory, Department of Genetics, University Medical Center Groningen
Classification: Benign for Retinitis pigmentosa 28. Review status: no assertion criteria provided. Collection method: clinical testing. Allele origin: germline. Affected: yes. Study: VKGL Data-share Consensus. Not counted in ClinVar's aggregate classification.

Joint Genome Diagnostic Labs from Nijmegen and Maastricht, Radboudumc and MUMC+
Classification: Benign. Review status: no assertion criteria provided. Collection method: clinical testing. Allele origin: germline. Affected: yes. Study: VKGL Data-share Consensus. Not counted in ClinVar's aggregate classification.